The following is an entry in ClinVar:

NM_020433.5(JPH2):c.563C>T (p.Pro188Leu)

Gene: JPH2 (junctophilin 2; minus strand). Cytogenetic location: 20q13.12.
Variant type: single nucleotide variant.
Coding change: c.563C>T on transcript NM_020433.5 (MANE Select); coding-DNA position 563, C replaced by T.
Protein change: p.Pro188Leu; replaces proline 188 with leucine.
Molecular consequence: missense variant.
Genome position (GRCh38, 1-based): chr20:44,160,224, G>A on the plus strand (C>T on the coding strand, the complement: JPH2 is on the minus strand). VCF-style: chr20-44160224-G-A. GRCh37 (hg19) VCF-style: chr20-42788864-G-A.
Other names: short protein forms P188L.
Identifiers: ClinVar variation 4826977 (VCV004826977.1).

ClinVar aggregate classification (germline): Uncertain significance (1 of 4 stars; one submission).

Conditions:
Cardiovascular phenotype. Identifiers: MedGen CN230736.

Submission:

Ambry Genetics
Classification: Uncertain significance for Cardiovascular phenotype. Last evaluated: 2026-03-11. Review status: criteria provided, single submitter. Criteria: Ambry Variant Classification Scheme 2023. Collection method: clinical testing. Allele origin: germline.
Comment: The p.P188L variant (also known as c.563C>T), located in coding exon 2 of the JPH2 gene, results from a C to T substitution at nucleotide position 563. The proline at codon 188 is replaced by leucine, an amino acid with similar properties. This amino acid position is conserved. In addition, this alteration is predicted to be tolerated by in silico analysis. Based on the available evidence, the clinical significance of this variant remains unclear.